The following is an entry in ClinVar:

NM_007294.4(BRCA1):c.323del (p.Ala108fs)

Gene: BRCA1 (BRCA1 DNA repair associated; minus strand). Cytogenetic location: 17q21.31.
Variant type: Deletion.
Coding change: c.323del on transcript NM_007294.4 (MANE Select); coding-DNA position 323, one base deleted (C; older notation c.323delC).
Protein change: p.Ala108fs; shifts the reading frame from alanine 108.
Molecular consequence: frameshift variant. On other transcripts: non-coding transcript variant (1).
Genome position (GRCh38, 1-based): chr17:43,104,240, G deleted on the plus strand (C on the coding strand, the reverse complement: BRCA1 is on the minus strand). VCF-style (leftmost placement, unchanged base first): chr17-43104239-TG-T. GRCh37 (hg19) VCF-style: chr17-41256256-TG-T.
Other names: c.182delC, p.Ala61Glufs (NM_001408496.1, NM_001408497.1, NM_001408498.1 and 98 more transcripts); c.113delC, p.Ala38Glufs (NM_001408502.1, NM_001408506.1, NM_001408507.1 and 58 more transcripts); c.-59delC (NM_001408510.1, NM_001408512.1, NM_001407959.1 and 4 more transcripts); c.182del, p.Ala61fs (NM_007297.4); c.323delC, p.Ala108Glufs (NM_007298.4, NM_007304.2, NM_001407581.1 and 163 more transcripts); c.323del, p.Ala108fs (NM_007299.4, NM_007300.4); c.314delC, p.Ala105Glufs (NM_001407646.1, NM_001407647.1, NM_001408408.1); c.245delC, p.Ala82Glufs (NM_001407653.1, NM_001407654.1, NM_001407655.1 and 21 more transcripts); and 1 more; short protein forms A108fs, A61fs.
Identifiers: ClinVar variation 823272 (VCV000823272.12), dbSNP rs1597897136, ClinGen allele CA915950051.

ClinVar aggregate classification (germline): Pathogenic. Review status: criteria provided, multiple submitters, no conflicts (2 of 4 stars). 2 submissions from 2 submitters: Pathogenic (2). Last evaluated 2020-09-11.

Conditions:
Hereditary cancer-predisposing syndrome. Also called: Tumor predisposition; Hereditary Cancer Syndrome; Neoplastic Syndromes, Hereditary; Hereditary neoplastic syndrome. Identifiers: Orphanet 140162, MedGen C0027672, MeSH D009386, MONDO:0015356.
Hereditary breast ovarian cancer syndrome. Also called: Hereditary breast and ovarian cancer; Breast and ovarian cancer; Hereditary breast and/or ovarian cancer syndrome; Hereditary breast and ovarian cancer syndrome; BRCA1- and BRCA2-Associated Hereditary Breast and Ovarian Cancer; Hereditary breast and ovarian cancer syndrome (HBOC). Identifiers: Orphanet 145, MedGen C0677776, MeSH D061325, MONDO:0003582. Disease mechanism: loss of function.

Submissions (2):

Labcorp Genetics (formerly Invitae), Labcorp
Classification: Pathogenic for Hereditary breast ovarian cancer syndrome. Last evaluated: 2020-09-11. Review status: criteria provided, single submitter. Criteria: Invitae Variant Classification Sherloc (09022015). Collection method: clinical testing. Allele origin: germline.
Comment: For these reasons, this variant has been classified as Pathogenic. Loss-of-function variants in BRCA1 are known to be pathogenic (PMID: 20104584). This variant has not been reported in the literature in individuals with BRCA1-related conditions. ClinVar contains an entry for this variant (Variation ID: 823272). This variant is not present in population databases (ExAC no frequency). This sequence change creates a premature translational stop signal (p.Ala108Glufs*11) in the BRCA1 gene. It is expected to result in an absent or disrupted protein product.

Ambry Genetics
Classification: Pathogenic for Hereditary cancer-predisposing syndrome. Last evaluated: 2018-05-21. Review status: criteria provided, single submitter. Criteria: Ambry Variant Classification Scheme 2023. Collection method: clinical testing. Allele origin: germline.
Comment: The c.323delC pathogenic mutation, located in coding exon 5 of the BRCA1 gene, results from a deletion of one nucleotide at nucleotide position 323, causing a translational frameshift with a predicted alternate stop codon (p.A108Efs*11). This alteration is expected to result in loss of function by premature protein truncation or nonsense-mediated mRNA decay. As such, this alteration is interpreted as a disease-causing mutation.

Literature cited by the submitters: PubMed 20104584 (cited by Labcorp Genetics (formerly Invitae), Labcorp).